The following is an entry in ClinVar:

NM_001042492.3(NF1):c.7077A>T (p.Val2359=)

Gene: NF1 (neurofibromin 1; plus strand). Cytogenetic location: 17q11.2.
Variant type: single nucleotide variant.
Coding change: c.7077A>T on transcript NM_001042492.3 (MANE Select); coding-DNA position 7077, A replaced by T.
Protein change: p.Val2359=; no amino-acid change (valine 2359 retained).
Molecular consequence: synonymous variant.
Genome position (GRCh38, 1-based): chr17:31,343,023, A>T. VCF-style: chr17-31343023-A-T. GRCh37 (hg19) VCF-style: chr17-29670041-A-T.
Other names: c.7014A>T, p.Val2338= (NM_000267.4).
Identifiers: ClinVar variation 719882 (VCV000719882.12), dbSNP rs1483485648, ClinGen allele CA499236782.
Genomic context (GRCh38, chr17:31,343,023, plus strand): 5'-GCTACTGTGTGAACCTCATCAACCATCTCATGATTATCTTTAATAGAGTCCAGAGGAAGT[A>T]TTTATGGCAATCCGGAATCCTCTGGAGTGGCACTGCAAGCAAATGGATCATTTTGTTGGA-3'
Protein context (NP_001035957.1, residues 2349-2369): RIFNDKSPEE[Val2359=]FMAIRNPLEW

ClinVar aggregate classification (germline): Benign/Likely benign. Review status: criteria provided, multiple submitters, no conflicts (2 of 4 stars). 3 submissions from 3 submitters: Benign (1); Likely benign (2). Last evaluated 2026-05-21.

Conditions:
Hereditary cancer-predisposing syndrome. Also called: Hereditary Cancer Syndrome; Hereditary neoplastic syndrome; Neoplastic Syndromes, Hereditary; Tumor predisposition. Identifiers: Orphanet 140162, MedGen C0027672, MeSH D009386, MONDO:0015356.
Cardiovascular phenotype. Identifiers: MedGen CN230736.
Neurofibromatosis, type 1 (NF1). Also called: Neurofibromatosis, type I; VON RECKLINGHAUSEN DISEASE; NEUROFIBROMATOSIS, TYPE I, SOMATIC; Peripheral type neurofibromatosis. Identifiers: Orphanet 636, MedGen C0027831, MONDO:0018975, OMIM 162200. Disease mechanism: loss of function.

Allele frequency attached by ClinVar (database versions not stated): gnomAD exomes below 0.00001; TOPMed below 0.00001.
gnomAD v4.1: 1 of 1,614,132 alleles (0.000062%); highest among the groups gnomAD compares: African/African-American, 0.0013%; no homozygotes.

Submissions (3):

Myriad Genetics, Inc.
Classification: Benign for Neurofibromatosis, type 1. Last evaluated: 2026-05-21. Review status: criteria provided, single submitter. Criteria: Myriad Autosomal Dominant, Autosomal Recessive and X-Linked Classification Criteria (2023). Collection method: clinical testing. Allele origin: unknown.
Comment: This variant is considered benign. This variant is a silent/synonymous amino acid change and it is not expected to impact splicing.

Labcorp Genetics (formerly Invitae), Labcorp
Classification: Likely benign for Neurofibromatosis, type 1. Last evaluated: 2025-12-19. Review status: criteria provided, single submitter. Criteria: Invitae Variant Classification Sherloc (09022015). Collection method: clinical testing. Allele origin: germline.

Ambry Genetics
Classification: Likely benign for Cardiovascular phenotype; Hereditary cancer-predisposing syndrome. Last evaluated: 2023-02-23. Review status: criteria provided, single submitter. Criteria: Ambry Variant Classification Scheme 2023. Collection method: clinical testing. Allele origin: germline.